The following is an entry in ClinVar:

NM_006269.2(RP1):c.787+4A>C

Gene: RP1 (RP1 axonemal microtubule associated; plus strand). Cytogenetic location: 8q12.1.
Variant type: single nucleotide variant.
Coding change: c.787+4A>C on transcript NM_006269.2 (MANE Select); 4 bases into the intron after coding-DNA position 787, A replaced by C.
Molecular consequence: intron variant.
Genome position (GRCh38, 1-based): chr8:54,622,292, A>C. VCF-style: chr8-54622292-A-C. GRCh37 (hg19) VCF-style: chr8-55534852-A-C.
Other names: c.787+4A>C (NM_001375654.1).
Identifiers: ClinVar variation 2096766 (VCV002096766.4), dbSNP rs2536560731, ClinGen allele CA2580078468.

ClinVar aggregate classification (germline): Uncertain significance (1 of 4 stars; one submission).

Submission:

Labcorp Genetics (formerly Invitae), Labcorp
Classification: Uncertain significance. Last evaluated: 2022-02-11. Review status: criteria provided, single submitter. Criteria: Invitae Variant Classification Sherloc (09022015). Collection method: clinical testing. Allele origin: germline.
Comment: Variants that disrupt the consensus splice site are a relatively common cause of aberrant splicing (PMID: 17576681, 9536098). Algorithms developed to predict the effect of sequence changes on RNA splicing suggest that this variant may disrupt the consensus splice site. This variant has not been reported in the literature in individuals affected with RP1-related conditions. This variant is not present in population databases (gnomAD no frequency). This sequence change falls in intron 3 of the RP1 gene. It does not directly change the encoded amino acid sequence of the RP1 protein. It affects a nucleotide within the consensus splice site. In summary, the available evidence is currently insufficient to determine the role of this variant in disease. Therefore, it has been classified as a Variant of Uncertain Significance.

Literature cited by the submitters: PubMed 17576681; PubMed 9536098.